The following is an entry in ClinVar:

ClinVar aggregate classification (germline): Pathogenic. Review status: criteria provided, multiple submitters, no conflicts (2 of 4 stars). 6 submissions from 6 submitters: Pathogenic (5). 1 of the submissions does not count toward it. Last evaluated 2025-03-13.

Conditions:
CYP4F22-related disorder. Also called: CYP4F22-related condition.
Autosomal recessive congenital ichthyosis 5 (ARCI5). Also called: Ichthyosis, nonlamellar and nonerythrodermic, congenital, autosomal recessive; ICHTHYOSIS CONGENITA III. Identifiers: Orphanet 313, MedGen C1858133, MONDO:0011485, OMIM 604777.

Allele frequency attached by ClinVar (database versions not stated): ExAC 0.00007; ESP Exome Variant Server 0.00008; gnomAD exomes 0.00008 and 0.00014; gnomAD 0.00009 and 0.00011; TOPMed 0.00009.

Submissions (6):

PreventionGenetics, part of Exact Sciences
Classification: Pathogenic for CYP4F22-related condition. Last evaluated: 2025-03-13. Review status: criteria provided, single submitter. Criteria: ACMG Guidelines, 2015. Collection method: clinical testing. Allele origin: germline.
Comment: The CYP4F22 c.59dupG variant is predicted to result in a frameshift and premature protein termination (p.Ile21Hisfs*59). This variant has been reported in multiple unrelated individuals with autosomal recessive congenital ichthyosis (Bučková et al 2016. PubMed ID: 25998749; Pigg et al 2016. PubMed ID: 27025581; Sitek et al 2018. PubMed ID: 29444371; Table S2, Simpson et al 2019. PubMed ID: 31168818; described as c.58_59insG and c.59_60insG in eTable 3, Sun et al. 2022. PubMed ID: 34851365). This variant is reported in 0.017% of alleles in individuals of European (Non-Finnish) descent in gnomAD. Frameshift variants in CYP4F22 are expected to be pathogenic. This variant is interpreted as pathogenic.

Labcorp Genetics (formerly Invitae), Labcorp
Classification: Pathogenic. Last evaluated: 2024-10-26. Review status: criteria provided, single submitter. Criteria: Invitae Variant Classification Sherloc (09022015). Collection method: clinical testing. Allele origin: germline.
Comment: This sequence change creates a premature translational stop signal (p.Ile21Hisfs*59) in the CYP4F22 gene. It is expected to result in an absent or disrupted protein product. Loss-of-function variants in CYP4F22 are known to be pathogenic (PMID: 16436457, 24397709, 26762237). This variant is present in population databases (rs531800013, gnomAD 0.02%). This premature translational stop signal has been observed in individuals with autosomal recessive congenital ichthyosis (PMID: 25998749, 27025581). ClinVar contains an entry for this variant (Variation ID: 279799). For these reasons, this variant has been classified as Pathogenic.

Fulgent Genetics
Classification: Pathogenic for Autosomal recessive congenital ichthyosis 5. Last evaluated: 2024-03-27. Review status: criteria provided, single submitter. Criteria: ACMG Guidelines, 2015. Collection method: clinical testing. Allele origin: germline.

GeneDx
Classification: Pathogenic. Last evaluated: 2019-12-09. Review status: criteria provided, single submitter. Criteria: GeneDx Variant Classification Process June 2021. Collection method: clinical testing. Allele origin: germline. Affected: yes.
Comment: Identified in additional unrelated patients with congenital ichthyosis in the published literature (Pigg et al., 2016; Sitek et al., 2018); Frameshift variant predicted to result in protein truncation or nonsense mediated decay in a gene for which loss-of-function is a known mechanism of disease; This variant is associated with the following publications: (PMID: 31046801, 27025581, 25998749, 29444371, 31168818, 31589614)

CeGaT Center for Human Genetics Tuebingen
Classification: Pathogenic. Last evaluated: 2017-04-01. Review status: criteria provided, single submitter. Criteria: CeGaT Center For Human Genetics Tuebingen Variant Classification Criteria Version 2. Collection method: clinical testing. Allele origin: germline. Affected: yes. Observed: 1 variant allele.

Institute for Human Genetics, University Medical Center Freiburg
Classification: Pathogenic for Autosomal recessive congenital ichthyosis 5. Last evaluated: 2018-04-23. Review status: no assertion criteria provided. Collection method: clinical testing. Allele origin: germline. Affected: yes. Not counted in ClinVar's aggregate classification.

Literature cited by the submitters: PubMed 16436457 (cited by Labcorp Genetics (formerly Invitae), Labcorp); PubMed 24397709 (cited by Labcorp Genetics (formerly Invitae), Labcorp); PubMed 26762237 (cited by Labcorp Genetics (formerly Invitae), Labcorp); PubMed 25998749 (cited by Labcorp Genetics (formerly Invitae), Labcorp and Institute for Human Genetics, University Medical Center Freiburg); PubMed 27025581 (cited by Labcorp Genetics (formerly Invitae), Labcorp).

NM_173483.4(CYP4F22):c.59dup (p.Ile21fs)

Gene: CYP4F22 (cytochrome P450 family 4 subfamily F member 22; plus strand). Cytogenetic location: 19p13.12.
Variant type: Duplication.
Coding change: c.59dup on transcript NM_173483.4 (MANE Select); coding-DNA position 59, one base duplicated (G; older notation c.59dupG).
Protein change: p.Ile21fs; shifts the reading frame from isoleucine 21.
Molecular consequence: frameshift variant.
Genome position (GRCh38, 1-based): chr19:15,525,395, G duplicated. VCF-style (leftmost placement, unchanged base first): chr19-15525394-C-CG. GRCh37 (hg19) VCF-style: chr19-15636205-C-CG.
Other names: c.59dupG (NM_173483.3); short protein forms I21fs.
Identifiers: ClinVar variation 279799 (VCV000279799.55), dbSNP rs531800013, ClinGen allele CA9269446.